The following is an entry in ClinVar:

NM_015325.3(ICE1):c.4869A>G (p.Lys1623=)

Gene: ICE1 (interactor of little elongation complex ELL subunit 1; plus strand). Cytogenetic location: 5p15.32.
Variant type: single nucleotide variant.
Coding change: c.4869A>G on transcript NM_015325.3 (MANE Select); coding-DNA position 4869, A replaced by G.
Protein change: p.Lys1623=; no amino-acid change (lysine 1623 retained).
Molecular consequence: synonymous variant.
Genome position (GRCh38, 1-based): chr5:5,464,203, A>G. VCF-style: chr5-5464203-A-G. GRCh37 (hg19) VCF-style: chr5-5464316-A-G.
Identifiers: ClinVar variation 756583 (VCV000756583.5), dbSNP rs775769094, ClinGen allele CA3191390.

ClinVar aggregate classification (germline): Likely benign. Review status: criteria provided, single submitter (1 of 4 stars). 2 submissions from 2 submitters: Likely benign (1). 1 of the submissions does not count toward it. Last evaluated 2018-07-10.

Conditions:
ICE1-related disorder. Also called: ICE1-related condition.

Allele frequency attached by ClinVar (database versions not stated): gnomAD 0.00001; gnomAD exomes 0.00001; TOPMed 0.00001; ExAC 0.00002.

Submissions (2):

Labcorp Genetics (formerly Invitae), Labcorp
Classification: Likely benign. Last evaluated: 2018-07-10. Review status: criteria provided, single submitter. Criteria: Invitae Variant Classification Sherloc (09022015). Collection method: clinical testing. Allele origin: germline.

PreventionGenetics, part of Exact Sciences
Classification: Likely benign for ICE1-related condition. Last evaluated: 2023-12-11. Review status: no assertion criteria provided. Collection method: clinical testing. Allele origin: germline. Not counted in ClinVar's aggregate classification.
Comment: This variant is classified as likely benign based on ACMG/AMP sequence variant interpretation guidelines (Richards et al. 2015 PMID: 25741868, with internal and published modifications).